The following is an entry in ClinVar:

NM_001330260.2(SCN8A):c.1367G>A (p.Gly456Glu)

Gene: SCN8A (sodium voltage-gated channel alpha subunit 8; plus strand). Cytogenetic location: 12q13.13.
Variant type: single nucleotide variant.
Coding change: c.1367G>A on transcript NM_001330260.2 (MANE Select); coding-DNA position 1367, G replaced by A.
Protein change: p.Gly456Glu; replaces glycine 456 with glutamic acid.
Molecular consequence: missense variant.
Genome position (GRCh38, 1-based): chr12:51,706,447, G>A. VCF-style: chr12-51706447-G-A. GRCh37 (hg19) VCF-style: chr12-52100231-G-A.
Other names: c.1367G>A, p.Gly456Glu (NM_001177984.3, NM_001369788.1, NM_014191.4); short protein forms G456E.
Identifiers: ClinVar variation 641846 (VCV000641846.9), dbSNP rs1592393570, ClinGen allele CA385228645.

ClinVar aggregate classification (germline): Uncertain significance (1 of 4 stars; one submission).

Conditions:
Early-infantile DEE. Also called: Early infantile epileptic encephalopathy; Early infantile epileptic encephalopathy with suppression bursts; Ohtahara syndrome. Identifiers: Orphanet 1934, MedGen C0393706, MONDO:0800491.

Allele frequency attached by ClinVar (database versions not stated): gnomAD exomes below 0.00001.
gnomAD v4.1: 1 of 1,598,358 alleles (0.000063%); highest among the groups gnomAD compares: Non-Finnish European, 0.000085%; no homozygotes.

Submission:

Labcorp Genetics (formerly Invitae), Labcorp
Classification: Uncertain significance for Early-infantile DEE. Last evaluated: 2018-10-29. Review status: criteria provided, single submitter. Criteria: Invitae Variant Classification Sherloc (09022015). Collection method: clinical testing. Allele origin: germline.
Comment: This sequence change replaces glycine with glutamic acid at codon 456 of the SCN8A protein (p.Gly456Glu). The glycine residue is highly conserved and there is a moderate physicochemical difference between glycine and glutamic acid. This variant is not present in population databases (ExAC no frequency). This variant has not been reported in the literature in individuals with SCN8A-related disease. Algorithms developed to predict the effect of missense changes on protein structure and function are either unavailable or do not agree on the potential impact of this missense change (SIFT: "Deleterious"; PolyPhen-2: "Probably Damaging"; Align-GVGD: "Class C0"). In summary, the available evidence is currently insufficient to determine the role of this variant in disease. Therefore, it has been classified as a Variant of Uncertain Significance.